The following is an entry in ClinVar:

NM_000057.4(BLM):c.4076+1G>T

Gene: BLM (BLM RecQ like helicase; plus strand). Cytogenetic location: 15q26.1.
Variant type: single nucleotide variant.
Coding change: c.4076+1G>T on transcript NM_000057.4 (MANE Select); the canonical splice donor site of the intron after coding-DNA position 4076, G replaced by T.
Molecular consequence: splice donor variant.
Genome position (GRCh38, 1-based): chr15:90,811,407, G>T. VCF-style: chr15-90811407-G-T. GRCh37 (hg19) VCF-style: chr15-91354637-G-T.
Other names: c.4076+1G>T (NM_001287246.2); c.2951+1G>T (NM_001287248.2); c.3683+1G>T (NM_001287247.2).
Identifiers: ClinVar variation 524787 (VCV000524787.13), dbSNP rs752899566, ClinGen allele CA7739182.

ClinVar aggregate classification (germline): Uncertain significance. Review status: criteria provided, multiple submitters, no conflicts (2 of 4 stars). 3 submissions from 3 submitters: Uncertain significance (2). 1 of the submissions does not count toward it. Last evaluated 2025-11-25.

Conditions:
Hereditary cancer-predisposing syndrome. Also called: Neoplastic Syndromes, Hereditary; Hereditary neoplastic syndrome; Tumor predisposition; Hereditary Cancer Syndrome. Identifiers: Orphanet 140162, MedGen C0027672, MeSH D009386, MONDO:0015356.
Bloom syndrome (BLM). Also called: Bloom-Torre-Machacek syndrome. Identifiers: Orphanet 125, MedGen C0005859, MONDO:0008876, OMIM 210900.

Allele frequency attached by ClinVar (database versions not stated): gnomAD below 0.00001 and 0.00001; TOPMed below 0.00001; ExAC 0.00001; gnomAD exomes 0.00001 and 0.00002.
gnomAD v4.1: 13 of 1,613,806 alleles (0.00081%); highest among the groups gnomAD compares: South Asian, 0.014%; 1 homozygote.

Submissions (3):

Labcorp Genetics (formerly Invitae), Labcorp
Classification: Uncertain significance for Bloom syndrome. Last evaluated: 2025-11-25. Review status: criteria provided, single submitter. Criteria: Invitae Variant Classification Sherloc (09022015). Collection method: clinical testing. Allele origin: germline.
Comment: This sequence change affects a donor splice site in intron 21 of the BLM gene. While this variant is not anticipated to result in nonsense mediated decay, it likely alters RNA splicing and results in a disrupted protein product. This variant is present in population databases (rs752899566, gnomAD 0.01%). This variant has not been reported in the literature in individuals affected with BLM-related conditions. ClinVar contains an entry for this variant (Variation ID: 524787). Variants that disrupt the consensus splice site are a relatively common cause of aberrant splicing (PMID: 17576681, 9536098). Studies have shown that disruption of this splice site is associated with altered splicing resulting in multiple RNA products (internal data). In summary, the available evidence is currently insufficient to determine the role of this variant in disease. Therefore, it has been classified as a Variant of Uncertain Significance.

Ambry Genetics
Classification: Uncertain significance for Hereditary cancer-predisposing syndrome. Last evaluated: 2022-11-29. Review status: criteria provided, single submitter. Criteria: Ambry Variant Classification Scheme 2023. Collection method: clinical testing. Allele origin: germline.
Comment: The c.4076+1G>T intronic variant results from a G to T substitution one nucleotide after coding exon 20 of the BLM gene. This alteration occurs at the 3' terminus of the BLM gene, is not expected to trigger nonsense-mediated mRNA decay, and only impacts the last exon of the protein. The exact functional effect of this alteration is unknown. This nucleotide position is highly conserved in available vertebrate species. In silico splice site analysis predicts that this alteration will weaken the native splice donor site; however, direct evidence is insufficient at this time (Ambry internal data). Since supporting evidence is limited at this time, the clinical significance of this alteration remains unclear.

Natera, Inc.
Classification: Uncertain significance for Bloom syndrome. Last evaluated: 2020-09-16. Review status: no assertion criteria provided. Collection method: clinical testing. Allele origin: germline. Not counted in ClinVar's aggregate classification.

Literature cited by the submitters: PubMed 17576681 (cited by Labcorp Genetics (formerly Invitae), Labcorp); PubMed 9536098 (cited by Labcorp Genetics (formerly Invitae), Labcorp).